The following is an entry in ClinVar:

ClinVar aggregate classification (germline): Likely benign. Review status: criteria provided, multiple submitters, no conflicts (2 of 4 stars). 3 submissions from 3 submitters: Likely benign (3). Last evaluated 2025-03-28.

Conditions:
Hereditary cancer-predisposing syndrome. Also called: Tumor predisposition; Neoplastic Syndromes, Hereditary; Hereditary Cancer Syndrome; Hereditary neoplastic syndrome. Identifiers: Orphanet 140162, MedGen C0027672, MeSH D009386, MONDO:0015356.
Peutz-Jeghers syndrome (PJS). Also called: POLYPOSIS, HAMARTOMATOUS INTESTINAL; POLYPS-AND-SPOTS SYNDROME; Peutz-Jeghers polyposis; Periorificial lentiginosis syndrome. Identifiers: Orphanet 2869, MedGen C0031269, MeSH D010580, MONDO:0008280, OMIM 175200.

Allele frequency attached by ClinVar (database versions not stated): gnomAD 0.00001; TOPMed 0.00001.
gnomAD v4.1: 1 of 1,609,244 alleles (0.000062%); highest among the groups gnomAD compares: Admixed American, 0.0017%; no homozygotes.

Submissions (3):

Myriad Genetics, Inc.
Classification: Likely benign for Peutz-Jeghers syndrome. Last evaluated: 2025-03-28. Review status: criteria provided, single submitter. Criteria: Myriad Autosomal Dominant, Autosomal Recessive and X-Linked Classification Criteria (2023). Collection method: clinical testing. Allele origin: unknown.
Comment: This variant is considered likely benign. This variant is intronic and is not expected to impact mRNA splicing.

Labcorp Genetics (formerly Invitae), Labcorp
Classification: Likely benign for Peutz-Jeghers syndrome. Last evaluated: 2024-08-14. Review status: criteria provided, single submitter. Criteria: Invitae Variant Classification Sherloc (09022015). Collection method: clinical testing. Allele origin: germline.

Color Diagnostics, LLC DBA Color Health
Classification: Likely benign for Hereditary cancer-predisposing syndrome. Last evaluated: 2016-08-05. Review status: criteria provided, single submitter. Criteria: ACMG Guidelines, 2015. Collection method: clinical testing. Allele origin: germline.

NM_000455.5(STK11):c.1109-8C>T

Gene: STK11 (serine/threonine kinase 11; plus strand). Cytogenetic location: 19p13.3.
Variant type: single nucleotide variant.
Coding change: c.1109-8C>T on transcript NM_000455.5 (MANE Select); 8 bases into the intron before coding-DNA position 1109, C replaced by T.
Molecular consequence: intron variant.
Genome position (GRCh38, 1-based): chr19:1,226,446, C>T. VCF-style: chr19-1226446-C-T. GRCh37 (hg19) VCF-style: chr19-1226445-C-T.
Identifiers: ClinVar variation 492514 (VCV000492514.12), dbSNP rs1373424237, ClinGen allele CA658684216.